The following is an entry in ClinVar:

NM_000038.6(APC):c.1337T>A (p.Ile446Asn)

Gene: APC (APC regulator of Wnt signaling pathway; plus strand). Cytogenetic location: 5q22.2.
Variant type: single nucleotide variant.
Coding change: c.1337T>A on transcript NM_000038.6 (MANE Select); coding-DNA position 1337, T replaced by A.
Protein change: p.Ile446Asn; replaces isoleucine 446 with asparagine.
Molecular consequence: missense variant.
Genome position (GRCh38, 1-based): chr5:112,821,920, T>A. VCF-style: chr5-112821920-T-A. GRCh37 (hg19) VCF-style: chr5-112157617-T-A.
Other names: c.1337T>A, p.Ile446Asn (NM_001127510.3, NM_001354895.2, NM_001354896.2); c.1283T>A, p.Ile428Asn (NM_001127511.3); c.1367T>A, p.Ile456Asn (NM_001354897.2); c.1262T>A, p.Ile421Asn (NM_001354898.2); c.1253T>A, p.Ile418Asn (NM_001354899.2); c.1160T>A, p.Ile387Asn (NM_001354900.2, NM_001354901.2); c.1337T>A (NM_000038.5); c.1064T>A, p.Ile355Asn (NM_001354902.2); and 4 more; short protein forms I345N, I387N, I456N, I163N, I286N, I355N, I418N, I421N.
Identifiers: ClinVar variation 1390415 (VCV001390415.7), dbSNP rs1274585798, ClinGen allele CA16024232.
Genomic context (GRCh38, chr5:112,821,920, plus strand): 5'-CAAAGCATTATGGTTTATGTTGATTTTATTTTTCAGTGCCAGCTCCTGTTGAACATCAGA[T>A]CTGTCCTGCTGTGTGTGTTCTAATGAAACTTTCATTTGATGAAGAGCATAGACATGCAAT-3'
Protein context (NP_000029.2, residues 436-456): NPMPAPVEHQ[Ile446Asn]CPAVCVLMKL

ClinVar aggregate classification (germline): Uncertain significance. Review status: criteria provided, multiple submitters, no conflicts (2 of 4 stars). 2 submissions from 2 submitters: Uncertain significance (2). Last evaluated 2026-02-20.

Conditions:
Familial adenomatous polyposis 1 (FAP1). Also called: POLYPOSIS, ADENOMATOUS INTESTINAL; FAMILIAL ADENOMATOUS POLYPOSIS 1, ATTENUATED. Identifiers: MedGen C2713442, MONDO:0021056, OMIM 175100. Disease mechanism: loss of function.
Hereditary cancer-predisposing syndrome. Also called: Hereditary neoplastic syndrome; Tumor predisposition; Neoplastic Syndromes, Hereditary; Hereditary Cancer Syndrome. Identifiers: Orphanet 140162, MedGen C0027672, MeSH D009386, MONDO:0015356.

Submissions (2):

Ambry Genetics
Classification: Uncertain significance for Hereditary cancer-predisposing syndrome. Last evaluated: 2026-02-20. Review status: criteria provided, single submitter. Criteria: Ambry Variant Classification Scheme 2023. Collection method: clinical testing. Allele origin: germline.
Comment: The p.I446N variant (also known as c.1337T>A), located in coding exon 10 of the APC gene, results from a T to A substitution at nucleotide position 1337. The isoleucine at codon 446 is replaced by asparagine, an amino acid with dissimilar properties. This amino acid position is highly conserved in available vertebrate species. In addition, in silico predictors for this gene do not accurately predict pathogenicity. Missense variants in APC are not a common cause of disease (Spier I et al. Genet Med. 2024 Feb;26(2):100992). Based on the available evidence, the clinical significance of this variant remains unclear.

Labcorp Genetics (formerly Invitae), Labcorp
Classification: Uncertain significance for Familial adenomatous polyposis 1. Last evaluated: 2021-10-31. Review status: criteria provided, single submitter. Criteria: Invitae Variant Classification Sherloc (09022015). Collection method: clinical testing. Allele origin: germline.
Comment: In summary, the available evidence is currently insufficient to determine the role of this variant in disease. Therefore, it has been classified as a Variant of Uncertain Significance. Algorithms developed to predict the effect of missense changes on protein structure and function are either unavailable or do not agree on the potential impact of this missense change (SIFT: "Deleterious"; PolyPhen-2: "Probably Damaging"; Align-GVGD: "Class C0"). This sequence change replaces isoleucine, which is neutral and non-polar, with asparagine, which is neutral and polar, at codon 446 of the APC protein (p.Ile446Asn). This variant is not present in population databases (gnomAD no frequency). This variant has not been reported in the literature in individuals affected with APC-related conditions.